The following is an entry in ClinVar:

NM_020832.3(ZNF687):c.1393G>A (p.Val465Met)

Gene: ZNF687 (zinc finger protein 687; plus strand). Cytogenetic location: 1q21.3.
Variant type: single nucleotide variant.
Coding change: c.1393G>A on transcript NM_020832.3 (MANE Select); coding-DNA position 1393, G replaced by A.
Protein change: p.Val465Met; replaces valine 465 with methionine.
Molecular consequence: missense variant.
Genome position (GRCh38, 1-based): chr1:151,287,684, G>A. VCF-style: chr1-151287684-G-A. GRCh37 (hg19) VCF-style: chr1-151260160-G-A.
Other names: c.1393G>A, p.Val465Met (NM_001304763.2, NM_001304764.2); short protein forms V465M.
Identifiers: ClinVar variation 1932014 (VCV001932014.5), dbSNP rs916658735, ClinGen allele CA29518560.

ClinVar aggregate classification (germline): Uncertain significance (1 of 4 stars; one submission).

Allele frequency attached by ClinVar (database versions not stated): gnomAD 0.00001; gnomAD exomes 0.00001; TOPMed 0.00002.
gnomAD v4.1: 5 of 1,613,450 alleles (0.00031%); highest among the groups gnomAD compares: Admixed American, 0.0083%; no homozygotes.

Submission:

Labcorp Genetics (formerly Invitae), Labcorp
Classification: Uncertain significance. Last evaluated: 2024-12-31. Review status: criteria provided, single submitter. Criteria: Invitae Variant Classification Sherloc (09022015). Collection method: clinical testing. Allele origin: germline.
Comment: This sequence change replaces valine, which is neutral and non-polar, with methionine, which is neutral and non-polar, at codon 465 of the ZNF687 protein (p.Val465Met). This variant is present in population databases (no rsID available, gnomAD 0.009%). This variant has not been reported in the literature in individuals affected with ZNF687-related conditions. ClinVar contains an entry for this variant (Variation ID: 1932014). An algorithm developed to predict the effect of missense changes on protein structure and function (PolyPhen-2) suggests that this variant is likely to be tolerated. In summary, the available evidence is currently insufficient to determine the role of this variant in disease. Therefore, it has been classified as a Variant of Uncertain Significance.